The following is an entry in ClinVar:

ClinVar aggregate classification (germline): Uncertain significance (1 of 4 stars; one submission).

Conditions:
SPEN-related disorder. Also called: SPEN-related condition.

Submission:

PreventionGenetics, part of Exact Sciences
Classification: Uncertain significance for SPEN-related condition. Last evaluated: 2026-03-22. Review status: criteria provided, single submitter. Criteria: ACMG Guidelines, 2015. Collection method: clinical testing. Allele origin: germline.
Comment: The SPEN c.8366C>T variant is predicted to result in the amino acid substitution p.Ser2789Phe. To our knowledge, this variant has not been reported in the literature or in a large population database (gnomAD), indicating this variant is rare. At this time, the clinical significance of this variant is uncertain due to the absence of conclusive functional and genetic evidence.

NM_015001.3(SPEN):c.8366C>T (p.Ser2789Phe)

Gene: SPEN (spen family transcriptional repressor; plus strand). Cytogenetic location: 1p36.13.
Variant type: single nucleotide variant.
Coding change: c.8366C>T on transcript NM_015001.3 (MANE Select); coding-DNA position 8366, C replaced by T.
Protein change: p.Ser2789Phe; replaces serine 2789 with phenylalanine.
Molecular consequence: missense variant.
Genome position (GRCh38, 1-based): chr1:15,934,606, C>T. VCF-style: chr1-15934606-C-T. GRCh37 (hg19) VCF-style: chr1-16261101-C-T.
Other names: short protein forms S2789F.
Identifiers: ClinVar variation 4995630 (VCV004995630.1).